The following is an entry in ClinVar:

ClinVar aggregate classification (germline): Uncertain significance (1 of 4 stars; one submission).

Conditions:
Inborn genetic diseases. Identifiers: MedGen C0950123, MeSH D030342.

Submission:

Ambry Genetics
Classification: Uncertain significance for Inborn genetic diseases. Last evaluated: 2023-08-01. Review status: criteria provided, single submitter. Criteria: Ambry Variant Classification Scheme 2023. Collection method: clinical testing. Allele origin: germline.
Comment: The p.D534A variant (also known as c.1601A>C), located in coding exon 12 of the ACD gene, results from an A to C substitution at nucleotide position 1601. The aspartic acid at codon 534 is replaced by alanine, an amino acid with dissimilar properties. This amino acid position is conserved. In addition, this alteration is predicted to be tolerated by in silico analysis. Since supporting evidence is limited at this time, the clinical significance of this alteration remains unclear.

NM_001082486.2(ACD):c.1343A>C (p.Asp448Ala)

Gene: ACD (ACD shelterin complex subunit and telomerase recruitment factor; minus strand). Cytogenetic location: 16q22.1.
Variant type: single nucleotide variant.
Coding change: c.1343A>C on transcript NM_001082486.2 (MANE Select); coding-DNA position 1343, A replaced by C.
Protein change: p.Asp448Ala; replaces aspartic acid 448 with alanine.
Molecular consequence: missense variant.
Genome position (GRCh38, 1-based): chr16:67,657,640, T>G on the plus strand (A>C on the coding strand, the complement: ACD is on the minus strand). VCF-style: chr16-67657640-T-G. GRCh37 (hg19) VCF-style: chr16-67691543-T-G.
Other names: c.1256A>C, p.Asp419Ala (NM_001410884.1); c.1334A>C, p.Asp445Ala (NM_022914.3); short protein forms D419A, D448A, D445A.
Identifiers: ClinVar variation 2586828 (VCV002586828.2), dbSNP rs2543595729, ClinGen allele CA396349597.
Genomic context (GRCh38, chr16:67,657,640, plus strand): 5'-GAGCGGTATCTGTCCTGCGTGACGTCTCACATCGGAGTTGGCTCAGACCCTGGCTGTGCA[T>G]CCATCAGAAAGTGCAAGGCCCAGGCCATGAGCTGGGGAGGAAGCCTGGAAAGAAACCACC-3'
Protein context (NP_001075955.2, residues 438-458): LMAWALHFLM[Asp448Ala]AQPGSEPTPM